The following is an entry in ClinVar:

NM_000059.4(BRCA2):c.1909+5C>A

Gene: BRCA2 (BRCA2 DNA repair associated; plus strand). Cytogenetic location: 13q13.1.
Variant type: single nucleotide variant.
Coding change: c.1909+5C>A on transcript NM_000059.4 (MANE Select); 5 bases into the intron after coding-DNA position 1909, C replaced by A.
Molecular consequence: intron variant.
Genome position (GRCh38, 1-based): chr13:32,333,392, C>A. VCF-style: chr13-32333392-C-A. GRCh37 (hg19) VCF-style: chr13-32907529-C-A.
Other names: c.1909+5C>A (NM_001432077.1, NM_001406720.1, NM_001406719.1 and 1 more transcripts); c.424+2362C>A (NM_001406722.1).
Identifiers: ClinVar variation 4842960 (VCV004842960.1).

ClinVar aggregate classification (germline): Uncertain significance (1 of 4 stars; one submission).

Conditions:
Hereditary cancer-predisposing syndrome. Also called: Neoplastic Syndromes, Hereditary; Tumor predisposition; Hereditary Cancer Syndrome; Hereditary neoplastic syndrome. Identifiers: Orphanet 140162, MedGen C0027672, MeSH D009386, MONDO:0015356.

gnomAD v4.1: 1 of 1,607,896 alleles (0.000062%); highest among the groups gnomAD compares: South Asian, 0.0011%; no homozygotes.

Submission:

Ambry Genetics
Classification: Uncertain significance for Hereditary cancer-predisposing syndrome. Last evaluated: 2025-12-23. Review status: criteria provided, single submitter. Criteria: Ambry Variant Classification Scheme 2023. Collection method: clinical testing. Allele origin: germline.
Comment: The c.1909+5C>A intronic variant results from a C to A substitution 5 nucleotides after coding exon 9 in the BRCA2 gene. This nucleotide position is not well conserved in available vertebrate species. In silico splice site analysis predicts that this alteration will not have any significant effect on splicing. Based on the available evidence, the clinical significance of this variant remains unclear.